The following is an entry in ClinVar:

ClinVar aggregate classification (germline): Uncertain significance (1 of 4 stars; one submission).

Conditions:
Cardiovascular phenotype. Identifiers: MedGen CN230736.

Submission:

Ambry Genetics
Classification: Uncertain significance for Cardiovascular phenotype. Last evaluated: 2023-09-28. Review status: criteria provided, single submitter. Criteria: Ambry Variant Classification Scheme 2023. Collection method: clinical testing. Allele origin: germline.
Comment: The p.P4032L variant (also known as c.12095C>T), located in coding exon 19 of the ALMS1 gene, results from a C to T substitution at nucleotide position 12095. The proline at codon 4032 is replaced by leucine, an amino acid with similar properties. This amino acid position is well conserved in available vertebrate species. In addition, this alteration is predicted to be tolerated by in silico analysis. Since supporting evidence is limited at this time, the clinical significance of this alteration remains unclear.

NM_001378454.1(ALMS1):c.12092C>T (p.Pro4031Leu)

Genes: ALMS1 (ALMS1 centrosome and basal body associated protein; plus strand), LOC126806252 (BRD4-independent group 4 enhancer GRCh37_chr2:73828496-73829695; plus strand). Cytogenetic location: 2p13.1.
Variant type: single nucleotide variant.
Coding change: c.12092C>T on transcript NM_001378454.1 (MANE Select); coding-DNA position 12092, C replaced by T.
Protein change: p.Pro4031Leu; replaces proline 4031 with leucine.
Molecular consequence: missense variant.
Genome position (GRCh38, 1-based): chr2:73,601,414, C>T. VCF-style: chr2-73601414-C-T. GRCh37 (hg19) VCF-style: chr2-73828541-C-T.
Other names: c.12095C>T, p.Pro4032Leu (NM_015120.4); short protein forms P4031L, P4032L.
Identifiers: ClinVar variation 3226583 (VCV003226583.1), dbSNP rs753052003, ClinGen allele CA347267114.
Genomic context (GRCh38, chr2:73,601,414, plus strand): 5'-TGGACGGTCGGGGCTACCTGGCAGGCCCAGGCAGAGAGGCTGGCAGAGACCTACTGAGGC[C>T]ATTTGTGAGAGCAACCCTTCAGGTGCAGTGACGTTGACTTAACTTTAATGCTACGTGTAG-3'
Protein context (NP_001365383.1, residues 4021-4041): GREAGRDLLR[Pro4031Leu]FVRATLQESL